The following is an entry in ClinVar:

ClinVar aggregate classification (germline): Uncertain significance (1 of 4 stars; one submission).

Allele frequency attached by ClinVar (database versions not stated): gnomAD exomes 0.00003; gnomAD 0.00005; ExAC 0.00006; TOPMed 0.00006; 1000 Genomes Project 30x 0.00031; 1000 Genomes Project 0.00040.

Submission:

Labcorp Genetics (formerly Invitae), Labcorp
Classification: Uncertain significance. Last evaluated: 2023-12-07. Review status: criteria provided, single submitter. Criteria: Invitae Variant Classification Sherloc (09022015). Collection method: clinical testing. Allele origin: germline.
Comment: This sequence change replaces arginine, which is basic and polar, with histidine, which is basic and polar, at codon 752 of the GPR179 protein (p.Arg752His). This variant is present in population databases (rs567968509, gnomAD 0.02%). This variant has not been reported in the literature in individuals affected with GPR179-related conditions. ClinVar contains an entry for this variant (Variation ID: 1906657). Algorithms developed to predict the effect of missense changes on protein structure and function output the following: SIFT: "Not Available"; PolyPhen-2: "Benign"; Align-GVGD: "Not Available". The histidine amino acid residue is found in multiple mammalian species, which suggests that this missense change does not adversely affect protein function. In summary, the available evidence is currently insufficient to determine the role of this variant in disease. Therefore, it has been classified as a Variant of Uncertain Significance.

NM_001004334.4(GPR179):c.2255G>A (p.Arg752His)

Gene: GPR179 (G protein-coupled receptor 179; minus strand). Cytogenetic location: 17q12.
Variant type: single nucleotide variant.
Coding change: c.2255G>A on transcript NM_001004334.4 (MANE Select); coding-DNA position 2255, G replaced by A.
Protein change: p.Arg752His; replaces arginine 752 with histidine.
Molecular consequence: missense variant.
Genome position (GRCh38, 1-based): chr17:38,331,314, C>T on the plus strand (G>A on the coding strand, the complement: GPR179 is on the minus strand). VCF-style: chr17-38331314-C-T. GRCh37 (hg19) VCF-style: chr17-36487197-C-T.
Other names: short protein forms R752H.
Identifiers: ClinVar variation 1906657 (VCV001906657.4), dbSNP rs567968509, ClinGen allele CA290105997.